The following is an entry in ClinVar:

NM_005859.5(PURA):c.43C>A (p.Leu15Met)

Gene: PURA (purine rich element binding protein A; plus strand). Cytogenetic location: 5q31.3.
Variant type: single nucleotide variant.
Coding change: c.43C>A on transcript NM_005859.5 (MANE Select); coding-DNA position 43, C replaced by A.
Protein change: p.Leu15Met; replaces leucine 15 with methionine.
Molecular consequence: missense variant.
Genome position (GRCh38, 1-based): chr5:140,114,224, C>A. VCF-style: chr5-140114224-C-A. GRCh37 (hg19) VCF-style: chr5-139493809-C-A.
Other names: short protein forms L15M.
Identifiers: ClinVar variation 565516 (VCV000565516.9), dbSNP rs923665124, ClinGen allele CA361489093.

ClinVar aggregate classification (germline): Uncertain significance (1 of 4 stars; one submission).

Conditions:
PURA-related severe neonatal hypotonia-seizures-encephalopathy syndrome (NEDRIHF). Also called: PURA-Related Neurodevelopmental Disorders; NEURODEVELOPMENTAL DISORDER WITH NEONATAL RESPIRATORY INSUFFICIENCY, HYPOTONIA, AND FEEDING DIFFICULTIES. Identifiers: Orphanet 438213, Orphanet 438216, MedGen C4015357, MONDO:1060108, OMIM 616158, MONDO:0018580.

Submission:

Labcorp Genetics (formerly Invitae), Labcorp
Classification: Uncertain significance for PURA-related severe neonatal hypotonia-seizures-encephalopathy syndrome. Last evaluated: 2022-07-12. Review status: criteria provided, single submitter. Criteria: Invitae Variant Classification Sherloc (09022015). Collection method: clinical testing. Allele origin: germline.
Comment: ClinVar contains an entry for this variant (Variation ID: 565516). This variant has not been reported in the literature in individuals affected with PURA-related conditions. The frequency data for this variant in the population databases is considered unreliable, as metrics indicate insufficient coverage at this position in the gnomAD database. This sequence change replaces leucine, which is neutral and non-polar, with methionine, which is neutral and non-polar, at codon 15 of the PURA protein (p.Leu15Met). Algorithms developed to predict the effect of missense changes on protein structure and function are either unavailable or do not agree on the potential impact of this missense change (SIFT: "Tolerated"; PolyPhen-2: "Not Available"; Align-GVGD: "Class C0"). In summary, the available evidence is currently insufficient to determine the role of this variant in disease. Therefore, it has been classified as a Variant of Uncertain Significance.